The following is an entry in ClinVar:

ClinVar aggregate classification (germline): Uncertain significance (1 of 4 stars; one submission).

gnomAD v4.1: 1 of 1,613,946 alleles (0.000062%); highest among the groups gnomAD compares: Non-Finnish European, 0.000085%; no homozygotes.

Submission:

GeneDx
Classification: Uncertain significance. Last evaluated: 2025-05-20. Review status: criteria provided, single submitter. Criteria: GeneDx Variant Classification Process June 2021. Collection method: clinical testing. Allele origin: germline. Affected: yes.
Comment: Not observed at significant frequency in large population cohorts (gnomAD); In silico analysis supports that this missense variant has a deleterious effect on protein structure/function; Has not been previously published as pathogenic or benign to our knowledge

NM_000719.7(CACNA1C):c.3266G>A (p.Arg1089His)

Gene: CACNA1C (calcium voltage-gated channel subunit alpha1 C; plus strand). Cytogenetic location: 12p13.33.
Variant type: single nucleotide variant.
Coding change: c.3266G>A on transcript NM_000719.7 (MANE Select); coding-DNA position 3266, G replaced by A.
Protein change: p.Arg1089His; replaces arginine 1089 with histidine.
Molecular consequence: missense variant.
Genome position (GRCh38, 1-based): chr12:2,607,040, G>A. VCF-style: chr12-2607040-G-A. GRCh37 (hg19) VCF-style: chr12-2716206-G-A.
Other names: c.3326G>A, p.Arg1109His (NM_001129827.2, NM_001129832.2, NM_199460.4); c.3266G>A, p.Arg1089His (NM_001129829.2, NM_001129830.3, NM_001129831.2 and 15 more transcripts); c.3257G>A, p.Arg1086His (NM_001129844.2); short protein forms R1086H, R1089H, R1109H.
Identifiers: ClinVar variation 4530834 (VCV004530834.1).